The following is an entry in ClinVar:

NM_000053.4(ATP7B):c.2297C>G (p.Thr766Arg)

Gene: ATP7B (ATPase copper transporting beta; minus strand). Cytogenetic location: 13q14.3.
Variant type: single nucleotide variant.
Coding change: c.2297C>G on transcript NM_000053.4 (MANE Select); coding-DNA position 2297, C replaced by G.
Protein change: p.Thr766Arg; replaces threonine 766 with arginine.
Molecular consequence: missense variant. On other transcripts: intron variant (2).
Genome position (GRCh38, 1-based): chr13:51,958,369, G>C on the plus strand (C>G on the coding strand, the complement: ATP7B is on the minus strand). VCF-style: chr13-51958369-G-C. GRCh37 (hg19) VCF-style: chr13-52532505-G-C.
Other names: c.1964C>G, p.Thr655Arg (NM_001243182.2); c.2045C>G, p.Thr682Arg (NM_001330579.2); c.1870-762C>G (NM_001005918.3); c.2122-762C>G (NM_001330578.2); short protein forms T766R, T682R, T655R.
Identifiers: ClinVar variation 3861 (VCV000003861.14), dbSNP rs121907997, ClinGen allele CA252898.

ClinVar aggregate classification (germline): Pathogenic/Likely pathogenic. Review status: criteria provided, multiple submitters, no conflicts (2 of 4 stars). 6 submissions from 6 submitters: Pathogenic (3); Likely pathogenic (2). 1 of the submissions does not count toward it. Last evaluated 2024-05-15.

Conditions:
Wilson disease (WND). Also called: Wilson's disease. Identifiers: Orphanet 905, MedGen C0019202, MONDO:0010200, OMIM 277900. Disease mechanism: loss of function.

gnomAD v4.1: 8 of 1,614,188 alleles (0.0005%); highest among the groups gnomAD compares: Non-Finnish European, 0.00068%; no homozygotes.

Submissions (6):

Fulgent Genetics
Classification: Pathogenic for Wilson disease. Last evaluated: 2024-05-15. Review status: criteria provided, single submitter. Criteria: ACMG Guidelines, 2015. Collection method: clinical testing. Allele origin: germline.

Women's Health and Genetics/Laboratory Corporation of America, LabCorp
Classification: Pathogenic for Wilson disease. Last evaluated: 2024-05-14. Review status: criteria provided, single submitter. Criteria: LabCorp Variant Classification Summary - May 2015. Collection method: clinical testing. Allele origin: germline.
Comment: Variant summary: ATP7B c.2297C>G (p.Thr766Arg) results in a non-conservative amino acid change in the encoded protein sequence. Five of five in-silico tools predict a damaging effect of the variant on protein function. The variant allele was found at a frequency of 4e-06 in 249558 control chromosomes. c.2297C>G has been reported in the literature in individuals affected with Wilson Disease (Pendlebury_2004, Wilcox_2011). Additionally, another missense variant (c.2297C>T, p.thr766Met) has been classified on the pathogenic spectrum in our laboratory. These data indicate that the variant is likely to be associated with disease. To our knowledge, no experimental evidence demonstrating an impact on protein function has been reported. The following publications have been ascertained in the context of this evaluation (PMID: 15557537, 21956287). ClinVar contains an entry for this variant (Variation ID: 3861). Based on the evidence outlined above, the variant was classified as pathogenic.

Labcorp Genetics (formerly Invitae), Labcorp
Classification: Pathogenic for Wilson disease. Last evaluated: 2022-05-07. Review status: criteria provided, single submitter. Criteria: Invitae Variant Classification Sherloc (09022015). Collection method: clinical testing. Allele origin: germline.
Comment: For these reasons, this variant has been classified as Pathogenic. Algorithms developed to predict the effect of sequence changes on RNA splicing suggest that this variant may create or strengthen a splice site. Advanced modeling of protein sequence and biophysical properties (such as structural, functional, and spatial information, amino acid conservation, physicochemical variation, residue mobility, and thermodynamic stability) performed at Invitae indicates that this missense variant is expected to disrupt ATP7B protein function. ClinVar contains an entry for this variant (Variation ID: 3861). This missense change has been observed in individual(s) with Wilson disease (PMID: 15557537, 21956287; Invitae). In at least one individual the data is consistent with being in trans (on the opposite chromosome) from a pathogenic variant. It has also been observed to segregate with disease in related individuals. This variant is present in population databases (rs121907997, gnomAD 0.0009%). This sequence change replaces threonine, which is neutral and polar, with arginine, which is basic and polar, at codon 766 of the ATP7B protein (p.Thr766Arg).

Genome-Nilou Lab
Classification: Likely pathogenic for Wilson disease. Last evaluated: 2021-08-10. Review status: criteria provided, single submitter. Criteria: ACMG Guidelines, 2015. Collection method: clinical testing. Allele origin: germline. Affected: no.

Laboratory for Molecular Medicine, Mass General Brigham Personalized Medicine
Classification: Likely pathogenic for Wilson disease. Last evaluated: 2020-06-11. Review status: criteria provided, single submitter. Criteria: ACMG Guidelines, 2015. Collection method: clinical testing. Allele origin: germline.
Comment: The p.Thr766Arg variant in ATP7B has been identified in the homozygous state in one individual with Wilson disease (Pendlebury 2004; PMID 15557537). It was also inferred that two affected individuals with Wilson disease harbored this missense variant in trans with IVS5+1G>C variant, but these individuals were deceased and it did not appear that genetic testing was performed on these individuals (Wilcox 2011 PMID 21956287). It has been reported by one submitter in ClinVar who observed this variant in a proband who was compound heterozygous for a second pathogenic ATP7B variant, and the variants segregated in an affected family member (ClinVar Variation ID 3861). This variant was identified in 1/113270 of European chromosomes by gnomAD. Computational prediction tools and conservation analysis suggest that this variant may impact the protein. In summary, although additional studies are required to fully establish its clinical significance, this variant meets criteria to be classified as likely pathogenic for autosomal recessive Wilson disease. ACMG/AMP criteria applied: PM2, PM3, PP1, PP3, PP4.

OMIM
Classification: Pathogenic for WILSON DISEASE. Last evaluated: 2004-11-23. Review status: no assertion criteria provided. Collection method: literature only. Allele origin: germline. Not counted in ClinVar's aggregate classification.

Literature cited by the submitters: PubMed 15557537 (cited by 4 submitters); PubMed 21956287 (cited by 3 submitters).